The following is an entry in ClinVar:

NM_153460.4(IL17RC):c.1244G>A (p.Ser415Asn)

Gene: IL17RC (interleukin 17 receptor C; plus strand). Cytogenetic location: 3p25.3.
Variant type: single nucleotide variant.
Coding change: c.1244G>A on transcript NM_153460.4 (MANE Select); coding-DNA position 1244, G replaced by A.
Protein change: p.Ser415Asn; replaces serine 415 with asparagine.
Molecular consequence: missense variant. On other transcripts: non-coding transcript variant (1).
Genome position (GRCh38, 1-based): chr3:9,930,115, G>A. VCF-style: chr3-9930115-G-A. GRCh37 (hg19) VCF-style: chr3-9971799-G-A.
Other names: c.1244G>A, p.Ser415Asn (NM_001203263.2); c.1193G>A, p.Ser398Asn (NM_001203264.2); c.1148G>A, p.Ser383Asn (NM_001203265.2); c.1205G>A, p.Ser402Asn (NM_001367278.1); c.1124G>A, p.Ser375Asn (NM_001367279.1); c.1199G>A, p.Ser400Asn (NM_001367280.1, NM_032732.6); c.1457G>A, p.Ser486Asn (NM_153461.4); short protein forms S375N, S402N, S415N, S398N, S383N, S400N, S486N.
Identifiers: ClinVar variation 939979 (VCV000939979.6), dbSNP rs2084513820, ClinGen allele CA351699335.

ClinVar aggregate classification (germline): Uncertain significance (1 of 4 stars; one submission).

Conditions:
Candidiasis, familial, 9 (CANDF9). Identifiers: Orphanet 1334, MedGen C4225324, MONDO:0014642, OMIM 616445.

Submission:

Labcorp Genetics (formerly Invitae), Labcorp
Classification: Uncertain significance for Candidiasis, familial, 9. Last evaluated: 2023-11-18. Review status: criteria provided, single submitter. Criteria: Invitae Variant Classification Sherloc (09022015). Collection method: clinical testing. Allele origin: germline.
Comment: This sequence change replaces serine, which is neutral and polar, with asparagine, which is neutral and polar, at codon 486 of the IL17RC protein (p.Ser486Asn). This variant is not present in population databases (gnomAD no frequency). This variant has not been reported in the literature in individuals affected with IL17RC-related conditions. ClinVar contains an entry for this variant (Variation ID: 939979). An algorithm developed to predict the effect of missense changes on protein structure and function (PolyPhen-2) suggests that this variant is likely to be disruptive. In summary, the available evidence is currently insufficient to determine the role of this variant in disease. Therefore, it has been classified as a Variant of Uncertain Significance.